The following is an entry in ClinVar:

NM_017563.5(IL17RD):c.2078C>T (p.Thr693Met)

Genes: IL17RD (interleukin 17 receptor D; minus strand), LOC126806689 (BRD4-independent group 4 enhancer GRCh37_chr3:57131244-57132443; plus strand). Cytogenetic location: 3p14.3.
Variant type: single nucleotide variant.
Coding change: c.2078C>T on transcript NM_017563.5 (MANE Select); coding-DNA position 2078, C replaced by T.
Protein change: p.Thr693Met; replaces threonine 693 with methionine.
Molecular consequence: missense variant.
Genome position (GRCh38, 1-based): chr3:57,097,625, G>A on the plus strand (C>T on the coding strand, the complement: IL17RD is on the minus strand). VCF-style: chr3-57097625-G-A. GRCh37 (hg19) VCF-style: chr3-57131653-G-A.
Other names: c.2078C>T, p.Thr693Met (NM_001080973.1); c.1646C>T, p.Thr549Met (NM_001318864.2); short protein forms T693M, T549M.
Identifiers: ClinVar variation 2961043 (VCV002961043.3), dbSNP rs566785582, ClinGen allele CA2462593.

ClinVar aggregate classification (germline): Uncertain significance (1 of 4 stars; one submission).

Allele frequency attached by ClinVar (database versions not stated): gnomAD exomes below 0.00001; TOPMed below 0.00001; ExAC 0.00003; 1000 Genomes Project 0.00020; 1000 Genomes Project 30x 0.00031; gnomAD 0.00001.
gnomAD v4.1: 6 of 1,586,406 alleles (0.00038%); highest among the groups gnomAD compares: Admixed American, 0.0018%; no homozygotes.

Submission:

Labcorp Genetics (formerly Invitae), Labcorp
Classification: Uncertain significance. Last evaluated: 2025-09-08. Review status: criteria provided, single submitter. Criteria: Invitae Variant Classification Sherloc (09022015). Collection method: clinical testing. Allele origin: germline.
Comment: This sequence change replaces threonine, which is neutral and polar, with methionine, which is neutral and non-polar, at codon 693 of the IL17RD protein (p.Thr693Met). The frequency data for this variant in the population databases is considered unreliable, as metrics indicate poor data quality at this position in the gnomAD database. This variant has not been reported in the literature in individuals affected with IL17RD-related conditions. ClinVar contains an entry for this variant (Variation ID: 2961043). An algorithm developed to predict the effect of missense changes on protein structure and function (PolyPhen-2) suggests that this variant is likely to be disruptive. In summary, the available evidence is currently insufficient to determine the role of this variant in disease. Therefore, it has been classified as a Variant of Uncertain Significance.